The following is an entry in ClinVar:

ClinVar aggregate classification (germline): Uncertain significance (1 of 4 stars; one submission).

Submission:

Ambry Genetics
Classification: Uncertain significance. Last evaluated: 2025-10-30. Review status: criteria provided, single submitter. Criteria: Ambry Variant Classification Scheme 2023. Collection method: clinical testing. Allele origin: germline.
Comment: The p.Q580E variant (also known as c.1738C>G), located in coding exon 12 of the RINT1 gene, results from a C to G substitution at nucleotide position 1738. The glutamine at codon 580 is replaced by glutamic acid, an amino acid with highly similar properties. This amino acid position is conserved. In addition, this alteration is predicted to be tolerated by in silico analysis. Based on the available evidence, the clinical significance of this variant remains unclear.

NM_021930.6(RINT1):c.1738C>G (p.Gln580Glu)

Gene: RINT1 (RAD50 interactor 1; plus strand). Cytogenetic location: 7q22.3.
Variant type: single nucleotide variant.
Coding change: c.1738C>G on transcript NM_021930.6 (MANE Select); coding-DNA position 1738, C replaced by G.
Protein change: p.Gln580Glu; replaces glutamine 580 with glutamic acid.
Molecular consequence: missense variant. On other transcripts: non-coding transcript variant (1).
Genome position (GRCh38, 1-based): chr7:105,563,799, C>G. VCF-style: chr7-105563799-C-G. GRCh37 (hg19) VCF-style: chr7-105204246-C-G.
Other names: c.1504C>G, p.Gln502Glu (NM_001346599.2); c.715C>G, p.Gln239Glu (NM_001346600.2, NM_001346603.2); c.814C>G, p.Gln272Glu (NM_001346601.2); short protein forms Q272E, Q502E, Q239E, Q580E.
Identifiers: ClinVar variation 4578222 (VCV004578222.1).